The following is an entry in ClinVar:

NM_006421.5(ARFGEF1):c.511G>A (p.Val171Ile)

Gene: ARFGEF1 (ARF guanine nucleotide exchange factor 1; minus strand). Cytogenetic location: 8q13.2.
Variant type: single nucleotide variant.
Coding change: c.511G>A on transcript NM_006421.5 (MANE Select); coding-DNA position 511, G replaced by A.
Protein change: p.Val171Ile; replaces valine 171 with isoleucine.
Molecular consequence: missense variant. On other transcripts: 5 prime UTR variant (4), non-coding transcript variant (1).
Genome position (GRCh38, 1-based): chr8:67,296,559, C>T on the plus strand (G>A on the coding strand, the complement: ARFGEF1 is on the minus strand). VCF-style: chr8-67296559-C-T. GRCh37 (hg19) VCF-style: chr8-68208794-C-T.
Other names: c.511G>A, p.Val171Ile (NM_001413184.1, NM_001413185.1, NM_001413186.1 and 7 more transcripts); c.-90G>A (NM_001413188.1, NM_001413193.1, NM_001413197.1); c.-605G>A (NM_001413196.1); short protein forms V171I.
Identifiers: ClinVar variation 3901065 (VCV003901065.1).

ClinVar aggregate classification (germline): Uncertain significance (1 of 4 stars; one submission).

Conditions:
Developmental delay, impaired speech, and behavioral abnormalities, with or without seizures (DEDISB). Identifiers: MedGen C5575272, MONDO:0859263, OMIM 619964.

Submission:

Laboratorio de Genetica e Diagnostico Molecular, Hospital Israelita Albert Einstein
Classification: Uncertain significance for Developmental delay, impaired speech, and behavioral abnormalities, with or without seizures. Last evaluated: 2025-02-27. Review status: criteria provided, single submitter. Criteria: ACMG Guidelines, 2015. Collection method: clinical testing. Allele origin: germline. Affected: yes.
Comment: ACMG classification criteria: PM2 supporting, PP2 supporting, BP4 supporting